The following is an entry in ClinVar:

ClinVar aggregate classification (germline): Uncertain significance. Review status: criteria provided, multiple submitters, no conflicts (2 of 4 stars). 5 submissions from 5 submitters: Uncertain significance (5). Last evaluated 2025-12-03.

Conditions:
Aortic aneurysm, familial thoracic 4 (AAT4). Also called: AORTIC ANEURYSM/AORTIC DISSECTION AND PATENT DUCTUS ARTERIOSUS. Identifiers: MedGen C1851504, MONDO:0007568, OMIM 132900.
Familial thoracic aortic aneurysm and aortic dissection (TAAD). Also called: Thoracic aortic aneurysms and dissections. Identifiers: Orphanet 91387, MedGen C4707243, MONDO:0019625.

Allele frequency attached by ClinVar (database versions not stated): ExAC 0.00001; gnomAD 0.00001; gnomAD exomes 0.00001; TOPMed 0.00001.
gnomAD v4.1: 21 of 1,614,030 alleles (0.0013%); highest among the groups gnomAD compares: South Asian, 0.0044%; no homozygotes.

Submissions (5):

Labcorp Genetics (formerly Invitae), Labcorp
Classification: Uncertain significance for Aortic aneurysm, familial thoracic 4. Last evaluated: 2025-12-03. Review status: criteria provided, single submitter. Criteria: Invitae Variant Classification Sherloc (09022015). Collection method: clinical testing. Allele origin: germline.
Comment: This sequence change replaces alanine, which is neutral and non-polar, with valine, which is neutral and non-polar, at codon 1825 of the MYH11 protein (p.Ala1825Val). This variant is present in population databases (rs771343446, gnomAD 0.005%). This variant has not been reported in the literature in individuals affected with MYH11-related conditions. ClinVar contains an entry for this variant (Variation ID: 628688). Invitae Evidence Modeling of protein sequence and biophysical properties (such as structural, functional, and spatial information, amino acid conservation, physicochemical variation, residue mobility, and thermodynamic stability) indicates that this missense variant is not expected to disrupt MYH11 protein function with a negative predictive value of 95%. In summary, the available evidence is currently insufficient to determine the role of this variant in disease. Therefore, it has been classified as a Variant of Uncertain Significance.

GeneDx
Classification: Uncertain significance. Last evaluated: 2024-12-05. Review status: criteria provided, single submitter. Criteria: GeneDx Variant Classification Process June 2021. Collection method: clinical testing. Allele origin: germline. Affected: yes.
Comment: Not observed at significant frequency in large population cohorts (gnomAD); In silico analysis supports that this missense variant has a deleterious effect on protein structure/function; Has not been previously published as pathogenic or benign to our knowledge

All of Us Research Program, National Institutes of Health
Classification: Uncertain significance for Familial thoracic aortic aneurysm and aortic dissection. Last evaluated: 2024-06-09. Review status: criteria provided, single submitter. Criteria: ACMG Guidelines, 2015. Collection method: clinical testing. Allele origin: germline. Inheritance: Autosomal dominant inheritance. Observed: 3 variant alleles, 3 heterozygotes.
Comment: This missense variant replaces alanine with valine at codon 1825 of the MYH11 protein. Computational prediction suggests that this variant may not impact protein structure and function (internally defined REVEL score threshold <= 0.5, PMID: 27666373). To our knowledge, functional studies have not been reported for this variant. This variant has not been reported in individuals affected with cardiovascular disorders in the literature. This variant has been identified in 4/282718 chromosomes in the general population by the Genome Aggregation Database (gnomAD). The available evidence is insufficient to determine the role of this variant in disease conclusively. Therefore, this variant is classified as a Variant of Uncertain Significance.

This study involves interpretation of variants in research participants for the purpose of population health screening. Participant phenotype was not available at the time of variant classification. Additional details can be found in publication PMID: 35346344, PMCID: PMC8962531

Color Diagnostics, LLC DBA Color Health
Classification: Uncertain significance for Familial thoracic aortic aneurysm and aortic dissection. Last evaluated: 2024-05-30. Review status: criteria provided, single submitter. Criteria: ACMG Guidelines, 2015. Collection method: clinical testing. Allele origin: germline.
Comment: This missense variant replaces alanine with valine at codon 1825 of the MYH11 protein. Computational prediction tools indicate that this variant has a neutral impact on protein structure and function. To our knowledge, functional studies have not been reported for this variant. This variant has not been reported in individuals affected with MYH11-related disorders in the literature. This variant has been identified in 4/282718 chromosomes in the general population by the Genome Aggregation Database (gnomAD). The available evidence is insufficient to determine the role of this variant in disease conclusively. Therefore, this variant is classified as a Variant of Uncertain Significance.

Ambry Genetics
Classification: Uncertain significance for Familial thoracic aortic aneurysm and aortic dissection. Last evaluated: 2021-10-12. Review status: criteria provided, single submitter. Criteria: Ambry Variant Classification Scheme 2023. Collection method: clinical testing. Allele origin: germline.

NM_002474.3(MYH11):c.5453C>T (p.Ala1818Val)

Genes: MYH11 (myosin heavy chain 11; minus strand), NDE1 (nudE neurodevelopment protein 1; plus strand). Cytogenetic location: 16p13.11.
Variant type: single nucleotide variant.
Coding change: c.5453C>T on transcript NM_002474.3 (MANE Select); coding-DNA position 5453, C replaced by T.
Protein change: p.Ala1818Val; replaces alanine 1818 with valine.
Molecular consequence: missense variant. On other transcripts: intron variant (2).
Genome position (GRCh38, 1-based): chr16:15,717,191, G>A on the plus strand (C>T on the coding strand, the complement: MYH11 is on the minus strand). VCF-style: chr16-15717191-G-A. GRCh37 (hg19) VCF-style: chr16-15811048-G-A.
Other names: c.5474C>T, p.Ala1825Val (NM_001040113.2, NM_001040114.2); c.5453C>T, p.Ala1818Val (NM_022844.3); c.948-7000G>A (NM_001143979.2, NM_017668.3); short protein forms A1818V, A1825V.
Identifiers: ClinVar variation 628688 (VCV000628688.14), dbSNP rs771343446, ClinGen allele CA7921266.
Genomic context (GRCh38, chr16:15,717,191, plus strand): 5'-CCCGCATACCTGGCCTCCTGCTCGACCTGCTCCTCCAGCTGTGCAATCTTGGCCTCCAGC[G>A]CCGCGATGGTGGACTTGAACTTGGACTTGACGGCCCCCTCCATCTCGTGGAGCTTGCTCC-3'
Protein context (NP_002465.1, residues 1808-1828): VKSKFKSTIA[Ala1818Val]LEAKIAQLEE